The following is an entry in ClinVar:

ClinVar aggregate classification (germline): Uncertain significance (1 of 4 stars; one submission).

Conditions:
Inborn genetic diseases. Identifiers: MedGen C0950123, MeSH D030342.

Submission:

Ambry Genetics
Classification: Uncertain significance for Inborn genetic diseases. Last evaluated: 2025-09-10. Review status: criteria provided, single submitter. Criteria: Ambry Variant Classification Scheme 2023. Collection method: clinical testing. Allele origin: germline.
Comment: The p.D137Y variant (also known as c.409G>T), located in coding exon 4 of the RUNX1 gene, results from a G to T substitution at nucleotide position 409. The aspartic acid at codon 137 is replaced by tyrosine, an amino acid with highly dissimilar properties. This amino acid position is conserved. In addition, this alteration is predicted to be deleterious by in silico analysis. Based on the available evidence, the clinical significance of this variant remains unclear.

NM_001754.5(RUNX1):c.409G>T (p.Asp137Tyr)

Genes: RUNX1 (RUNX family transcription factor 1; minus strand), RUNX1-AS1 (RUNX1 antisense RNA 1; plus strand). Cytogenetic location: 21q22.12.
Variant type: single nucleotide variant.
Coding change: c.409G>T on transcript NM_001754.5 (MANE Select); coding-DNA position 409, G replaced by T.
Protein change: p.Asp137Tyr; replaces aspartic acid 137 with tyrosine.
Molecular consequence: missense variant.
Genome position (GRCh38, 1-based): chr21:34,880,656, C>A on the plus strand (G>T on the coding strand, the complement: RUNX1 is on the minus strand). VCF-style: chr21-34880656-C-A. GRCh37 (hg19) VCF-style: chr21-36252953-C-A.
Other names: c.328G>T, p.Asp110Tyr (NM_001001890.3, NM_001122607.2); short protein forms D110Y, D137Y.
Identifiers: ClinVar variation 4158233 (VCV004158233.1).